The following is an entry in ClinVar:

ClinVar aggregate classification (germline): Uncertain significance (1 of 4 stars; one submission).

Conditions:
Autosomal recessive limb-girdle muscular dystrophy type 2P. Also called: MUSCULAR DYSTROPHY, LIMB-GIRDLE, TYPE 2P; Limb-Girdle Muscular Dystrophy Type 9C; MUSCULAR DYSTROPHY-DYSTROGLYCANOPATHY, LIMB-GIRDLE, DAG1-RELATED. Identifiers: Orphanet 280333, MedGen C4511963, MONDO:0013440, OMIM 613818.
Muscular dystrophy-dystroglycanopathy (congenital with brain and eye anomalies), type A9. Also called: WALKER-WARBURG SYNDROME OR MUSCLE-EYE BRAIN DISEASE, DAG1-RELATED; Muscular dystrophy-dystroglycanopathy (congenital with brain and eye anomalies), type a, 9. Identifiers: Orphanet 370997, Orphanet 899, MedGen C4225291, MONDO:0014683, OMIM 616538.

Allele frequency attached by ClinVar (database versions not stated): ExAC 0.00001.
gnomAD v4.1: 2 of 1,613,060 alleles (0.00012%); highest among the groups gnomAD compares: Non-Finnish European, 0.000085%; no homozygotes.

Submission:

Labcorp Genetics (formerly Invitae), Labcorp
Classification: Uncertain significance for Autosomal recessive limb-girdle muscular dystrophy type 2P; Muscular dystrophy-dystroglycanopathy (congenital with brain and eye anomalies), type A9. Last evaluated: 2022-03-19. Review status: criteria provided, single submitter. Criteria: Invitae Variant Classification Sherloc (09022015). Collection method: clinical testing. Allele origin: germline.
Comment: This sequence change replaces arginine, which is basic and polar, with threonine, which is neutral and polar, at codon 2 of the DAG1 protein (p.Arg2Thr). This variant is present in population databases (rs781269339, gnomAD 0.0009%). This variant has not been reported in the literature in individuals affected with DAG1-related conditions. Algorithms developed to predict the effect of missense changes on protein structure and function (SIFT, PolyPhen-2, Align-GVGD) all suggest that this variant is likely to be tolerated. In summary, the available evidence is currently insufficient to determine the role of this variant in disease. Therefore, it has been classified as a Variant of Uncertain Significance.

NM_004393.6(DAG1):c.5G>C (p.Arg2Thr)

Gene: DAG1 (dystroglycan 1; plus strand). Cytogenetic location: 3p21.31.
Variant type: single nucleotide variant.
Coding change: c.5G>C on transcript NM_004393.6 (MANE Select); coding-DNA position 5, G replaced by C.
Protein change: p.Arg2Thr; replaces arginine 2 with threonine.
Molecular consequence: missense variant.
Genome position (GRCh38, 1-based): chr3:49,510,539, G>C. VCF-style: chr3-49510539-G-C. GRCh37 (hg19) VCF-style: chr3-49547972-G-C.
Other names: c.5G>C, p.Arg2Thr (NM_001165928.4, NM_001177634.3, NM_001177635.3 and 9 more transcripts); short protein forms R2T.
Identifiers: ClinVar variation 2114707 (VCV002114707.1), dbSNP rs781269339, ClinGen allele CA2398802.